The following is an entry in ClinVar:

NM_006231.4(POLE):c.1707C>G (p.Phe569Leu)

Gene: POLE (DNA polymerase epsilon, catalytic subunit; minus strand). Cytogenetic location: 12q24.33.
Variant type: single nucleotide variant.
Coding change: c.1707C>G on transcript NM_006231.4 (MANE Select); coding-DNA position 1707, C replaced by G.
Protein change: p.Phe569Leu; replaces phenylalanine 569 with leucine.
Molecular consequence: missense variant.
Genome position (GRCh38, 1-based): chr12:132,672,302, G>C on the plus strand (C>G on the coding strand, the complement: POLE is on the minus strand). VCF-style: chr12-132672302-G-C. GRCh37 (hg19) VCF-style: chr12-133248888-G-C.
Other names: p.Phe569Leu; short protein forms F569L.
Identifiers: ClinVar variation 506404 (VCV000506404.18), dbSNP rs147438050, ClinGen allele CA246292977.

ClinVar aggregate classification (germline): Conflicting classifications of pathogenicity. Review status: criteria provided, conflicting classifications (1 of 4 stars). 8 submissions from 8 submitters: Uncertain significance (6); Likely benign (2). Last evaluated 2025-12-17.

Conditions:
Intrauterine growth retardation, metaphyseal dysplasia, adrenal hypoplasia congenita, genital anomalies, and immunodeficiency. Also called: IMAGEI SYNDROME. Identifiers: MedGen C5193036, MONDO:0032684, OMIM 618336.
Colorectal cancer, susceptibility to, 12 (CRCS12). Also called: COLORECTAL CANCER, SUSCEPTIBILITY TO, ON CHROMOSOME 12q24. Identifiers: Orphanet 220460, MedGen C3554460, MONDO:0014038, OMIM 615083.
Facial dysmorphism-immunodeficiency-livedo-short stature syndrome. Also called: FILS syndrome; Facial dysmorphism, immunodeficiency, livedo, and short stature. Identifiers: Orphanet 352712, MedGen C3554576, MONDO:0014058, OMIM 615139.
Hereditary cancer-predisposing syndrome. Also called: Tumor predisposition; Neoplastic Syndromes, Hereditary; Hereditary Cancer Syndrome; Hereditary neoplastic syndrome. Identifiers: Orphanet 140162, MedGen C0027672, MeSH D009386, MONDO:0015356.

Allele frequency attached by ClinVar (database versions not stated): gnomAD exomes below 0.00001; TOPMed 0.00001.
gnomAD v4.1: 34 of 1,614,050 alleles (0.0021%); highest among the groups gnomAD compares: Middle Eastern, 0.38%; 1 homozygote.

Submissions (8):

Labcorp Genetics (formerly Invitae), Labcorp
Classification: Uncertain significance. Last evaluated: 2025-12-17. Review status: criteria provided, single submitter. Criteria: Invitae Variant Classification Sherloc (09022015). Collection method: clinical testing. Allele origin: germline.
Comment: This sequence change replaces phenylalanine, which is neutral and non-polar, with leucine, which is neutral and non-polar, at codon 569 of the POLE protein (p.Phe569Leu). This variant is present in population databases (no rsID available, gnomAD 0.0009%). This variant has not been reported in the literature in individuals affected with POLE-related conditions. ClinVar contains an entry for this variant (Variation ID: 506404). Invitae Evidence Modeling of protein sequence and biophysical properties (such as structural, functional, and spatial information, amino acid conservation, physicochemical variation, residue mobility, and thermodynamic stability) indicates that this missense variant is not expected to disrupt POLE protein function with a negative predictive value of 80%. In summary, the available evidence is currently insufficient to determine the role of this variant in disease. Therefore, it has been classified as a Variant of Uncertain Significance.

Mayo Clinic Laboratories, Mayo Clinic
Classification: Uncertain significance. Last evaluated: 2025-09-06. Review status: criteria provided, single submitter. Criteria: ACMG Guidelines, 2015. Collection method: clinical testing. Allele origin: germline. Observed: 2 variant alleles.
Comment: BP4

St. Jude Molecular Pathology, St. Jude Children's Research Hospital
Classification: Uncertain significance for Colorectal cancer, susceptibility to, 12. Last evaluated: 2025-06-17. Review status: criteria provided, single submitter. Criteria: St. Jude Assertion Criteria 2020. Collection method: clinical testing. Allele origin: germline.
Comment: The POLE c.1707C>G p.(Phe569Leu) missense change has an allele frequency of 0.0004% in gnomAD v2.1.1. The in silico tool REVEL predicts a benign effect on protein function, but to our knowledge this prediction has not been confirmed by functional studies. To our knowledge, this variant has not been reported in the literature in individuals with POLE-related disease. In summary, the evidence currently available is insufficient to determine the clinical significance of this variant. It has therefore been classified as of uncertain significance.

Ambry Genetics
Classification: Likely benign for Hereditary cancer-predisposing syndrome. Last evaluated: 2025-01-15. Review status: criteria provided, single submitter. Criteria: Ambry Variant Classification Scheme 2023. Collection method: clinical testing. Allele origin: germline.

Blueprint Genetics
Classification: Uncertain significance. Last evaluated: 2024-08-01. Review status: criteria provided, single submitter. Criteria: ACMG Guidelines, 2015. Collection method: clinical testing. Allele origin: germline.

Revvity Omics, Revvity
Classification: Uncertain significance. Last evaluated: 2023-12-13. Review status: criteria provided, single submitter. Criteria: ACMG Guidelines, 2015. Collection method: clinical testing. Allele origin: germline.

Department of Pathology and Laboratory Medicine, Sinai Health System
Classification: Uncertain significance for Colorectal cancer, susceptibility to, 12; Facial dysmorphism-immunodeficiency-livedo-short stature syndrome; Intrauterine growth retardation, metaphyseal dysplasia, adrenal hypoplasia congenita, genital anomalies, and immunodeficiency. Last evaluated: 2021-06-01. Review status: criteria provided, single submitter. Criteria: ACMG Guidelines, 2015. Collection method: clinical testing. Allele origin: germline. Affected: yes.

GeneDx
Classification: Likely benign. Last evaluated: 2020-03-17. Review status: criteria provided, single submitter. Criteria: GeneDx Variant Classification Process June 2021. Collection method: clinical testing. Allele origin: germline. Affected: yes.